The following is an entry in ClinVar:

ClinVar aggregate classification (germline): Conflicting classifications of pathogenicity. Review status: criteria provided, conflicting classifications (1 of 4 stars). 2 submissions from 2 submitters: Uncertain significance (1); Likely benign (1). Last evaluated 2023-03-23.

Conditions:
Hereditary cancer-predisposing syndrome. Also called: Neoplastic Syndromes, Hereditary; Tumor predisposition; Hereditary Cancer Syndrome; Hereditary neoplastic syndrome. Identifiers: Orphanet 140162, MedGen C0027672, MeSH D009386, MONDO:0015356.
Breast-ovarian cancer, familial, susceptibility to, 2 (BROVCA2). Also called: BRCA2 Hereditary Breast and Ovarian Cancer. Identifiers: Orphanet 145, MedGen C2675520, MONDO:0012933, OMIM 612555. Disease mechanism: loss of function.

Submissions (2):

University of Washington Department of Laboratory Medicine, University of Washington
Classification: Likely benign for Hereditary cancer-predisposing syndrome. Last evaluated: 2023-03-23. Review status: criteria provided, single submitter. Criteria: Dines et al. (Genet Med. 2020). Collection method: curation. Allele origin: germline.
Comment: Missense variant in a coldspot region where missense variants are very unlikely to be pathogenic (PMID:31911673).

BRCA2 exon 11 coldspot. Reclassification based on statistical prior probability.

Genomic Research Center, Shahid Beheshti University of Medical Sciences
Classification: Uncertain significance for Breast-ovarian cancer, familial, susceptibility to, 2. Last evaluated: 2017-12-03. Review status: criteria provided, single submitter. Criteria: ACMG Guidelines, 2015. Collection method: clinical testing. Allele origin: inherited. Affected: yes.

NM_000059.4(BRCA2):c.5081G>T (p.Arg1694Ile)

Gene: BRCA2 (BRCA2 DNA repair associated; plus strand). Cytogenetic location: 13q13.1.
Variant type: single nucleotide variant.
Coding change: c.5081G>T on transcript NM_000059.4 (MANE Select); coding-DNA position 5081, G replaced by T.
Protein change: p.Arg1694Ile; replaces arginine 1694 with isoleucine.
Molecular consequence: missense variant.
Genome position (GRCh38, 1-based): chr13:32,339,436, G>T. VCF-style: chr13-32339436-G-T. GRCh37 (hg19) VCF-style: chr13-32913573-G-T.
Other names: short protein forms R1694I.
Identifiers: ClinVar variation 522618 (VCV000522618.5), dbSNP rs753721331, ClinGen allele CA387784081.